The following is an entry in ClinVar:

NM_002907.4(RECQL):c.1625T>A (p.Leu542Gln)

Gene: RECQL (RecQ like helicase; minus strand). Cytogenetic location: 12p12.1.
Variant type: single nucleotide variant.
Coding change: c.1625T>A on transcript NM_002907.4 (MANE Select); coding-DNA position 1625, T replaced by A.
Protein change: p.Leu542Gln; replaces leucine 542 with glutamine.
Molecular consequence: missense variant.
Genome position (GRCh38, 1-based): chr12:21,471,470, A>T on the plus strand (T>A on the coding strand, the complement: RECQL is on the minus strand). VCF-style: chr12-21471470-A-T. GRCh37 (hg19) VCF-style: chr12-21624404-A-T.
Other names: c.1625T>A, p.Leu542Gln (NM_032941.3); short protein forms L542Q.
Identifiers: ClinVar variation 3222943 (VCV003222943.1), dbSNP rs2540320121, ClinGen allele CA384115186.

ClinVar aggregate classification (germline): Uncertain significance (1 of 4 stars; one submission).

gnomAD v4.1: 1 of 1,613,168 alleles (0.000062%); highest among the groups gnomAD compares: Middle Eastern, 0.017%; no homozygotes.

Submission:

Ambry Genetics
Classification: Uncertain significance. Last evaluated: 2024-03-09. Review status: criteria provided, single submitter. Criteria: Ambry Variant Classification Scheme 2023. Collection method: clinical testing. Allele origin: germline.
Comment: The p.L542Q variant (also known as c.1625T>A), located in coding exon 12 of the RECQL gene, results from a T to A substitution at nucleotide position 1625. The leucine at codon 542 is replaced by glutamine, an amino acid with dissimilar properties. This amino acid position is conserved. In addition, this alteration is predicted to be tolerated by in silico analysis. Based on the available evidence, the clinical significance of this alteration remains unclear.